The following is an entry in ClinVar:

NM_000350.3(ABCA4):c.2920T>C (p.Ser974Pro)

Gene: ABCA4 (ATP binding cassette subfamily A member 4; minus strand). Cytogenetic location: 1p22.1.
Variant type: single nucleotide variant.
Coding change: c.2920T>C on transcript NM_000350.3 (MANE Select); coding-DNA position 2920, T replaced by C.
Protein change: p.Ser974Pro; replaces serine 974 with proline.
Molecular consequence: missense variant.
Genome position (GRCh38, 1-based): chr1:94,044,743, A>G on the plus strand (T>C on the coding strand, the complement: ABCA4 is on the minus strand). VCF-style: chr1-94044743-A-G. GRCh37 (hg19) VCF-style: chr1-94510299-A-G.
Other names: c.2698T>C, p.Ser900Pro (NM_001425324.1); short protein forms S974P, S900P.
Identifiers: ClinVar variation 99175 (VCV000099175.10), dbSNP rs281865400, ClinGen allele CA227053.

ClinVar aggregate classification (germline): Conflicting classifications of pathogenicity. Review status: criteria provided, conflicting classifications (1 of 4 stars). 4 submissions from 4 submitters: Likely pathogenic (1); Uncertain significance (2). 1 of the submissions does not count toward it. Last evaluated 2026-01-02.

Conditions:
ABCA4-related disorder. Also called: ABCA4-related disorders; ABCA4-related condition. Identifiers: MedGen CN239167.

Allele frequency attached by ClinVar (database versions not stated): gnomAD exomes below 0.00001; TOPMed below 0.00001; ExAC 0.00001; gnomAD 0.00001.
gnomAD v4.1: 1 of 1,614,054 alleles (0.000062%); highest among the groups gnomAD compares: Non-Finnish European, 0.000085%; no homozygotes.

Submissions (4):

Women's Health and Genetics/Laboratory Corporation of America, LabCorp
Classification: Uncertain significance. Last evaluated: 2026-01-02. Review status: criteria provided, single submitter. Criteria: LabCorp Variant Classification Summary - May 2015. Collection method: clinical testing. Allele origin: germline.
Comment: Variant summary: ABCA4 c.2920T>C (p.Ser974Pro) results in a non-conservative amino acid change in the encoded protein sequence. Algorithms developed to predict the effect of missense changes on protein structure and function all suggest that this variant is likely to be disruptive. The variant allele was found at a frequency of 4e-06 in 251486 control chromosomes. The available data on variant occurrences in the general population are insufficient to allow any conclusion about variant significance. c.2920T>C has been observed in individual(s) affected with Stargardt Disease (Fishman_1999, Webster_2001). These report(s) do not provide unequivocal conclusions about association of the variant with Stargardt Disease. To our knowledge, no experimental evidence demonstrating an impact on protein function has been reported. The following publications have been ascertained in the context of this evaluation (PMID: 10206579, 11328725). ClinVar contains an entry for this variant (Variation ID: 99175). Based on the evidence outlined above, the variant was classified as uncertain significance.

Labcorp Genetics (formerly Invitae), Labcorp
Classification: Uncertain significance. Last evaluated: 2023-03-26. Review status: criteria provided, single submitter. Criteria: Invitae Variant Classification Sherloc (09022015). Collection method: clinical testing. Allele origin: germline.
Comment: An algorithm developed to predict the effect of missense changes on protein structure and function (PolyPhen-2) suggests that this variant is likely to be disruptive. ClinVar contains an entry for this variant (Variation ID: 99175). This missense change has been observed in individual(s) with Stargardt disease (PMID: 10206579; Invitae). This variant is present in population databases (rs281865400, gnomAD 0.0009%). This sequence change replaces serine, which is neutral and polar, with proline, which is neutral and non-polar, at codon 974 of the ABCA4 protein (p.Ser974Pro). In summary, the available evidence is currently insufficient to determine the role of this variant in disease. Therefore, it has been classified as a Variant of Uncertain Significance.

Blueprint Genetics
Classification: Likely pathogenic for ABCA4-related disorders. Last evaluated: 2019-08-02. Review status: criteria provided, single submitter. Criteria: ACMG Guidelines, 2015. Collection method: clinical testing. Allele origin: germline. Affected: yes. Observed: 3 variant alleles.

Retina International
No classification provided. Review status: no classification provided. Collection method: not provided. Allele origin: not provided. Not counted in ClinVar's aggregate classification.

Literature cited by the submitters: PubMed 11328725 (cited by Women's Health and Genetics/Laboratory Corporation of America, LabCorp); PubMed 10206579 (cited by Women's Health and Genetics/Laboratory Corporation of America, LabCorp and Labcorp Genetics (formerly Invitae), Labcorp).